The following is an entry in ClinVar:

NM_017934.7(PHIP):c.3013A>C (p.Lys1005Gln)

Genes: IRAK1BP1 (interleukin 1 receptor associated kinase 1 binding protein 1; plus strand), PHIP (pleckstrin homology domain interacting protein; minus strand). Cytogenetic location: 6q14.1.
Variant type: single nucleotide variant.
Coding change: c.3013A>C on transcript NM_017934.7 (MANE Select); coding-DNA position 3013, A replaced by C.
Protein change: p.Lys1005Gln; replaces lysine 1005 with glutamine.
Molecular consequence: missense variant.
Genome position (GRCh38, 1-based): chr6:78,970,158, T>G on the plus strand (A>C on the coding strand, the complement: PHIP is on the minus strand). VCF-style: chr6-78970158-T-G. GRCh37 (hg19) VCF-style: chr6-79679875-T-G.
Other names: short protein forms K1005Q.
Identifiers: ClinVar variation 3342980 (VCV003342980.1).
Genomic context (GRCh38, chr6:78,970,158, plus strand): 5'-AAGCAAGTTTAAGGCAGCAAAGGGTAGGTAATCCCACTTCATACTTTATGCCAACTATTT[T>G]CATAAGTTCTTGTTCCTGAGAGAGACAGAGAATATAAGGAACCATCTTTACAAAATAAAC-3'
Protein context (NP_060404.4, residues 995-1015): KMELREQELM[Lys1005Gln]IVGIKYEVGL

ClinVar aggregate classification (germline): Uncertain significance (1 of 4 stars; one submission).

gnomAD v4.1: 3 of 1,611,850 alleles (0.00019%); highest among the groups gnomAD compares: Non-Finnish European, 0.00025%; no homozygotes.

Submission:

GeneDx
Classification: Uncertain significance. Last evaluated: 2023-04-09. Review status: criteria provided, single submitter. Criteria: GeneDx Variant Classification Process June 2021. Collection method: clinical testing. Allele origin: germline. Affected: yes.
Comment: Not observed at significant frequency in large population cohorts (gnomAD); In silico analysis supports that this missense variant has a deleterious effect on protein structure/function; Has not been previously published as pathogenic or benign to our knowledge